The following is an entry in ClinVar:

NM_025114.4(CEP290):c.3132G>T (p.Lys1044Asn)

Gene: CEP290 (centrosomal protein 290; minus strand). Cytogenetic location: 12q21.32.
Variant type: single nucleotide variant.
Coding change: c.3132G>T on transcript NM_025114.4 (MANE Select); coding-DNA position 3132, G replaced by T.
Protein change: p.Lys1044Asn; replaces lysine 1044 with asparagine.
Molecular consequence: missense variant.
Genome position (GRCh38, 1-based): chr12:88,093,947, C>A on the plus strand (G>T on the coding strand, the complement: CEP290 is on the minus strand). VCF-style: chr12-88093947-C-A. GRCh37 (hg19) VCF-style: chr12-88487724-C-A.
Other names: short protein forms K1044N.
Identifiers: ClinVar variation 571651 (VCV000571651.9), dbSNP rs762342726, ClinGen allele CA6712208.

ClinVar aggregate classification (germline): Uncertain significance. Review status: criteria provided, multiple submitters, no conflicts (2 of 4 stars). 2 submissions from 2 submitters: Uncertain significance (2). Last evaluated 2024-08-13.

Conditions:
Inborn genetic diseases. Identifiers: MedGen C0950123, MeSH D030342.
Meckel-Gruber syndrome. Also called: Dysencephalia splachnocystica; DYSENCEPHALIA SPLANCHNOCYSTICA; GRUBER SYNDROME. Identifiers: Orphanet 564, MedGen C0265215, MONDO:0018921.
Nephronophthisis. Also called: Juvenile Nephronophthisis. Identifiers: Orphanet 655, MedGen C0687120, MONDO:0019005, HP:0000090.
Joubert syndrome. Also called: Familial aplasia of the vermis; CEREBELLOPARENCHYMAL DISORDER IV; JOUBERT-BOLTSHAUSER SYNDROME. Identifiers: Orphanet 475, MedGen C5979921, MONDO:0018772.

Allele frequency attached by ClinVar (database versions not stated): gnomAD exomes below 0.00001; ExAC 0.00001.
gnomAD v4.1: 1 of 1,611,332 alleles (0.000062%); no homozygotes.

Submissions (2):

Labcorp Genetics (formerly Invitae), Labcorp
Classification: Uncertain significance for Joubert syndrome; Meckel-Gruber syndrome; Nephronophthisis. Last evaluated: 2024-08-13. Review status: criteria provided, single submitter. Criteria: Invitae Variant Classification Sherloc (09022015). Collection method: clinical testing. Allele origin: germline.
Comment: This sequence change replaces lysine, which is basic and polar, with asparagine, which is neutral and polar, at codon 1044 of the CEP290 protein (p.Lys1044Asn). This variant is present in population databases (rs762342726, gnomAD 0.0009%). This variant has not been reported in the literature in individuals affected with CEP290-related conditions. ClinVar contains an entry for this variant (Variation ID: 571651). Invitae Evidence Modeling of protein sequence and biophysical properties (such as structural, functional, and spatial information, amino acid conservation, physicochemical variation, residue mobility, and thermodynamic stability) indicates that this missense variant is not expected to disrupt CEP290 protein function with a negative predictive value of 80%. Algorithms developed to predict the effect of sequence changes on RNA splicing suggest that this variant may disrupt the consensus splice site. In summary, the available evidence is currently insufficient to determine the role of this variant in disease. Therefore, it has been classified as a Variant of Uncertain Significance.

Ambry Genetics
Classification: Uncertain significance for Inborn genetic diseases. Last evaluated: 2024-02-28. Review status: criteria provided, single submitter. Criteria: Ambry Variant Classification Scheme 2023. Collection method: clinical testing. Allele origin: germline.